The following is an entry in ClinVar:

NM_000092.5(COL4A4):c.1750G>A (p.Gly584Arg)

Gene: COL4A4 (collagen type IV alpha 4 chain; minus strand). Cytogenetic location: 2q36.3.
Variant type: single nucleotide variant.
Coding change: c.1750G>A on transcript NM_000092.5 (MANE Select); coding-DNA position 1750, G replaced by A.
Protein change: p.Gly584Arg; replaces glycine 584 with arginine.
Molecular consequence: missense variant.
Genome position (GRCh38, 1-based): chr2:227,080,496, C>T on the plus strand (G>A on the coding strand, the complement: COL4A4 is on the minus strand). VCF-style: chr2-227080496-C-T. GRCh37 (hg19) VCF-style: chr2-227945212-C-T.
Other names: short protein forms G584R.
Identifiers: ClinVar variation 2827822 (VCV002827822.3), dbSNP rs2474786382, ClinGen allele CA350847107.

ClinVar aggregate classification (germline): Uncertain significance (1 of 4 stars; one submission).

Submission:

Labcorp Genetics (formerly Invitae), Labcorp
Classification: Uncertain significance. Last evaluated: 2023-03-09. Review status: criteria provided, single submitter. Criteria: Invitae Variant Classification Sherloc (09022015). Collection method: clinical testing. Allele origin: germline.
Comment: This sequence change replaces glycine, which is neutral and non-polar, with arginine, which is basic and polar, at codon 584 of the COL4A4 protein (p.Gly584Arg). This variant is not present in population databases (gnomAD no frequency). This variant has not been reported in the literature in individuals affected with COL4A4-related conditions. Advanced modeling of protein sequence and biophysical properties (such as structural, functional, and spatial information, amino acid conservation, physicochemical variation, residue mobility, and thermodynamic stability) performed at Invitae indicates that this missense variant is expected to disrupt COL4A4 protein function. In summary, the available evidence is currently insufficient to determine the role of this variant in disease. Therefore, it has been classified as a Variant of Uncertain Significance.